The following is an entry in ClinVar:

NM_001148.6(ANK2):c.9049C>T (p.Pro3017Ser)

Gene: ANK2 (ankyrin 2; plus strand). Cytogenetic location: 4q26.
Variant type: single nucleotide variant.
Coding change: c.9049C>T on transcript NM_001148.6 (MANE Select); coding-DNA position 9049, C replaced by T.
Protein change: p.Pro3017Ser; replaces proline 3017 with serine.
Molecular consequence: missense variant. On other transcripts: intron variant (68).
Genome position (GRCh38, 1-based): chr4:113,357,667, C>T. VCF-style: chr4-113357667-C-T. GRCh37 (hg19) VCF-style: chr4-114278823-C-T.
Other names: c.8815C>T, p.Pro2939Ser (NM_001386142.1); c.5449C>T, p.Pro1817Ser (NM_001386166.1); c.9190C>T, p.Pro3064Ser (NM_001386174.1); c.9166C>T, p.Pro3056Ser (NM_001386175.1); c.4412-3156C>T (NM_001386186.2, NM_001386148.2); c.4214-3156C>T (NM_001354269.3); c.4292-3156C>T (NM_001386187.2); c.4253-3156C>T (NM_001386147.1); and 35 more; short protein forms P2939S, P3056S, P1817S, P3017S, P3064S.
Identifiers: ClinVar variation 3540927 (VCV003540927.2).
Genomic context (GRCh38, chr4:113,357,667, plus strand): 5'-TCCCAACAGGAAAGTACCTTGTGGGAAATGCAATCAGACAGTGTCTCTTCATCTTTCGAG[C>T]CTACTATGTCCGCTACAACAACAGTTGTTGGTGAACAAATAAGCAAAGTCATCATCACAA-3'
Protein context (NP_001139.3, residues 3007-3027): QSDSVSSSFE[Pro3017Ser]TMSATTTVVG

ClinVar aggregate classification (germline): Uncertain significance (1 of 4 stars; one submission).

Conditions:
Cardiovascular phenotype. Identifiers: MedGen CN230736.

gnomAD v4.1: 1 of 1,614,096 alleles (0.000062%); highest among the groups gnomAD compares: Admixed American, 0.0017%; no homozygotes.

Submission:

Ambry Genetics
Classification: Uncertain significance for Cardiovascular phenotype. Last evaluated: 2025-08-30. Review status: criteria provided, single submitter. Criteria: Ambry Variant Classification Scheme 2023. Collection method: clinical testing. Allele origin: germline.
Comment: The p.P3017S variant (also known as c.9049C>T), located in coding exon 38 of the ANK2 gene, results from a C to T substitution at nucleotide position 9049. The proline at codon 3017 is replaced by serine, an amino acid with similar properties. This amino acid position is conserved. In addition, this alteration is predicted to be tolerated by in silico analysis. Based on the available evidence, the clinical significance of this variant remains unclear.